The following is an entry in ClinVar:

ClinVar aggregate classification (germline): Likely benign. Review status: criteria provided, multiple submitters, no conflicts (2 of 4 stars). 2 submissions from 2 submitters: Likely benign (2). Last evaluated 2025-10-08.

Conditions:
Short-rib thoracic dysplasia 10 with or without polydactyly (SRTD10). Identifiers: Orphanet 474, MedGen C3810175, MONDO:0014284, OMIM 615630.
Retinitis pigmentosa 71 (RP71). Identifiers: Orphanet 791, MedGen C4225342, MONDO:0014618, OMIM 616394.
IFT172-related disorder. Also called: IFT172-related condition; IFT172-related disorders.

Allele frequency attached by ClinVar (database versions not stated): TOPMed below 0.00001; ExAC 0.00001; gnomAD exomes 0.00001.
gnomAD v4.1: 6 of 1,613,648 alleles (0.00037%); highest among the groups gnomAD compares: Admixed American, 0.01%; no homozygotes.

Submissions (2):

PreventionGenetics, part of Exact Sciences
Classification: Likely benign for IFT172-related condition. Last evaluated: 2025-10-08. Review status: criteria provided, single submitter. Criteria: ACMG Guidelines, 2015. Collection method: clinical testing. Allele origin: germline.
Comment: This variant is classified as likely benign based on ACMG/AMP sequence variant interpretation guidelines (Richards et al. 2015 PMID: 25741868, with internal and published modifications).

Labcorp Genetics (formerly Invitae), Labcorp
Classification: Likely benign for Retinitis pigmentosa 71; Short-rib thoracic dysplasia 10 with or without polydactyly. Last evaluated: 2024-06-20. Review status: criteria provided, single submitter. Criteria: Invitae Variant Classification Sherloc (09022015). Collection method: clinical testing. Allele origin: germline.

NM_015662.3(IFT172):c.40-10G>T

Gene: IFT172 (intraflagellar transport 172; minus strand). Cytogenetic location: 2p23.3.
Variant type: single nucleotide variant.
Coding change: c.40-10G>T on transcript NM_015662.3 (MANE Select); 10 bases into the intron before coding-DNA position 40, G replaced by T.
Molecular consequence: intron variant.
Genome position (GRCh38, 1-based): chr2:27,485,513, C>A on the plus strand (G>T on the coding strand, the complement: IFT172 is on the minus strand). VCF-style: chr2-27485513-C-A. GRCh37 (hg19) VCF-style: chr2-27708380-C-A.
Other names: c.40-10G>T (NM_015662.2).
Identifiers: ClinVar variation 1538607 (VCV001538607.9), dbSNP rs769327900, ClinGen allele CA1581129.